The following is an entry in ClinVar:

ClinVar aggregate classification (germline): Pathogenic (1 of 4 stars; one submission).

Conditions:
Fanconi anemia complementation group A (FANCA). Also called: FANCA-Related Fanconi Anemia; Fanconi anemia, group A. Identifiers: Orphanet 84, MedGen C3469521, MONDO:0009215, OMIM 227650.

Submission:

Myriad Genetics, Inc.
Classification: Pathogenic for Fanconi anemia complementation group A. Last evaluated: 2025-03-18. Review status: criteria provided, single submitter. Criteria: Myriad Autosomal Dominant, Autosomal Recessive and X-Linked Classification Criteria (2023). Collection method: clinical testing. Allele origin: unknown.
Comment: NM_000135.2(FANCA):c.2099_2100ins5(K701Hfs*25) is a frameshift variant classified as pathogenic in the context of Fanconi anemia complementation group A. K701Hfs*25 has not been observed in cases with relevant disease. Relevant functional assessments of this variant are not available in the literature. K701Hfs*25 has not been observed in referenced population frequency databases. In summary, NM_000135.2(FANCA):c.2099_2100ins5(K701Hfs*25) is a frameshift variant in a gene where loss of function is a known mechanism of disease and is predicted to disrupt protein function. Please note: this variant was assessed in the context of healthy population screening.

NM_000135.4(FANCA):c.2099_2100insTCATC (p.Lys701fs)

Gene: FANCA (FA complementation group A; minus strand). Cytogenetic location: 16q24.3.
Variant type: Insertion.
Coding change: c.2099_2100insTCATC on transcript NM_000135.4 (MANE Select); coding-DNA positions 2099 to 2100, TCATC inserted.
Protein change: p.Lys701fs; shifts the reading frame from lysine 701.
Molecular consequence: frameshift variant.
Genome position: GRCh38 VCF-style: chr16-89771729-T-TGATGA. GRCh37 (hg19) VCF-style: chr16-89838137-T-TGATGA.
Other names: c.2099_2100insTCATC, p.Lys701fs (NM_001286167.3); short protein forms K701fs.
Identifiers: ClinVar variation 4081678 (VCV004081678.1).